The following is an entry in ClinVar:

ClinVar aggregate classification (germline): Likely benign. Review status: criteria provided, multiple submitters, no conflicts (2 of 4 stars). 2 submissions from 2 submitters: Likely benign (2). Last evaluated 2025-12-01.

Allele frequency attached by ClinVar (database versions not stated): gnomAD 0.00002; gnomAD exomes 0.00002; TOPMed 0.00002; ExAC 0.00003.
gnomAD v4.1: 35 of 1,596,974 alleles (0.0022%); highest among the groups gnomAD compares: Non-Finnish European, 0.003%; no homozygotes.

Submissions (2):

CeGaT Center for Human Genetics Tuebingen
Classification: Likely benign. Last evaluated: 2025-12-01. Review status: criteria provided, single submitter. Criteria: CeGaT Center For Human Genetics Tuebingen Variant Classification Criteria Version 2. Collection method: clinical testing. Allele origin: germline. Affected: yes. Observed: 4 variant alleles.
Comment: SRCAP: BP4, BP7

Labcorp Genetics (formerly Invitae), Labcorp
Classification: Likely benign. Last evaluated: 2023-10-08. Review status: criteria provided, single submitter. Criteria: Invitae Variant Classification Sherloc (09022015). Collection method: clinical testing. Allele origin: germline.

NM_006662.3(SRCAP):c.8265A>T (p.Val2755=)

Gene: SRCAP (Snf2 related CREBBP activator protein; plus strand). Cytogenetic location: 16p11.2.
Variant type: single nucleotide variant.
Coding change: c.8265A>T on transcript NM_006662.3 (MANE Select); coding-DNA position 8265, A replaced by T.
Protein change: p.Val2755=; no amino-acid change (valine 2755 retained).
Molecular consequence: synonymous variant.
Genome position (GRCh38, 1-based): chr16:30,738,305, A>T. VCF-style: chr16-30738305-A-T. GRCh37 (hg19) VCF-style: chr16-30749626-A-T.
Identifiers: ClinVar variation 2646409 (VCV002646409.27), dbSNP rs780291689, ClinGen allele CA8012649.